The following is an entry in ClinVar:

NM_002474.3(MYH11):c.3593G>A (p.Arg1198Lys)

Gene: MYH11 (myosin heavy chain 11; minus strand). Cytogenetic location: 16p13.11.
Variant type: single nucleotide variant.
Coding change: c.3593G>A on transcript NM_002474.3 (MANE Select); coding-DNA position 3593, G replaced by A.
Protein change: p.Arg1198Lys; replaces arginine 1198 with lysine.
Molecular consequence: missense variant.
Genome position (GRCh38, 1-based): chr16:15,732,622, C>T on the plus strand (G>A on the coding strand, the complement: MYH11 is on the minus strand). VCF-style: chr16-15732622-C-T. GRCh37 (hg19) VCF-style: chr16-15826479-C-T.
Other names: c.3614G>A, p.Arg1205Lys (NM_001040113.2, NM_001040114.2); c.3593G>A, p.Arg1198Lys (NM_022844.3); c.3593G>A (NM_002474.2); short protein forms R1205K, R1198K.
Identifiers: ClinVar variation 928047 (VCV000928047.9), dbSNP rs1057347498, ClinGen allele CA278618669.
Genomic context (GRCh38, chr16:15,732,622, plus strand): 5'-ACCCTCTTGAACTGCTCAAGCTGCTCTGTGAGCTCCTCCACCGCCTGTGCGTGTTTCTGC[C>T]TCATCTCCTGGACCTGAGCCTCATGGGACCGCGTCTCTTCATCCAGGGCCTTCTTCAGCA-3'
Protein context (NP_002465.1, residues 1188-1208): RSHEAQVQEM[Arg1198Lys]QKHAQAVEEL

ClinVar aggregate classification (germline): Uncertain significance. Review status: criteria provided, multiple submitters, no conflicts (2 of 4 stars). 4 submissions from 4 submitters: Uncertain significance (4). Last evaluated 2025-03-09.

Conditions:
Aortic aneurysm, familial thoracic 4 (AAT4). Also called: AORTIC ANEURYSM/AORTIC DISSECTION AND PATENT DUCTUS ARTERIOSUS. Identifiers: MedGen C1851504, MONDO:0007568, OMIM 132900.
Visceral myopathy 2. Identifiers: MedGen C5543466, MONDO:0859157, OMIM 619350.
Megacystis-microcolon-intestinal hypoperistalsis syndrome 2. Identifiers: MedGen C5543476, MONDO:0025708, OMIM 619351.
Familial thoracic aortic aneurysm and aortic dissection (TAAD). Also called: Thoracic aortic aneurysms and dissections. Identifiers: Orphanet 91387, MedGen C4707243, MONDO:0019625.

Allele frequency attached by ClinVar (database versions not stated): TOPMed 0.00001.

Submissions (4):

Ambry Genetics
Classification: Uncertain significance for Familial thoracic aortic aneurysm and aortic dissection. Last evaluated: 2025-03-09. Review status: criteria provided, single submitter. Criteria: Ambry Variant Classification Scheme 2023. Collection method: clinical testing. Allele origin: germline.
Comment: The p.R1198K variant (also known as c.3593G>A), located in coding exon 26 of the MYH11 gene, results from a G to A substitution at nucleotide position 3593. The arginine at codon 1198 is replaced by lysine, an amino acid with highly similar properties. This amino acid position is conserved. In addition, the in silico prediction for this alteration is inconclusive. Based on the available evidence, the clinical significance of this variant remains unclear.

Labcorp Genetics (formerly Invitae), Labcorp
Classification: Uncertain significance for Aortic aneurysm, familial thoracic 4. Last evaluated: 2024-08-14. Review status: criteria provided, single submitter. Criteria: Invitae Variant Classification Sherloc (09022015). Collection method: clinical testing. Allele origin: germline.
Comment: This sequence change replaces arginine, which is basic and polar, with lysine, which is basic and polar, at codon 1205 of the MYH11 protein (p.Arg1205Lys). This variant is not present in population databases (gnomAD no frequency). This variant has not been reported in the literature in individuals affected with MYH11-related conditions. ClinVar contains an entry for this variant (Variation ID: 928047). Invitae Evidence Modeling of protein sequence and biophysical properties (such as structural, functional, and spatial information, amino acid conservation, physicochemical variation, residue mobility, and thermodynamic stability) indicates that this missense variant is not expected to disrupt MYH11 protein function with a negative predictive value of 95%. In summary, the available evidence is currently insufficient to determine the role of this variant in disease. Therefore, it has been classified as a Variant of Uncertain Significance.

Color Diagnostics, LLC DBA Color Health
Classification: Uncertain significance for Familial thoracic aortic aneurysm and aortic dissection. Last evaluated: 2023-12-04. Review status: criteria provided, single submitter. Criteria: ACMG Guidelines, 2015. Collection method: clinical testing. Allele origin: germline.
Comment: This missense variant replaces arginine with lysine at codon 1205 of the MYH11 protein. Computational prediction tools and conservation analyses are inconclusive regarding the impact of this variant on the protein function. Computational splicing tools suggest that this variant may not impact RNA splicing. To our knowledge, functional assays have not been performed for this variant nor has this variant been reported in individuals affected with cardiovascular disorders in the literature. This variant has not been identified in the general population by the Genome Aggregation Database (gnomAD). Available evidence is insufficient to determine the role of this variant in disease conclusively. Therefore, this variant is classified as a Variant of Uncertain Significance.

Fulgent Genetics
Classification: Uncertain significance for Aortic aneurysm, familial thoracic 4; Visceral myopathy 2; Megacystis-microcolon-intestinal hypoperistalsis syndrome 2. Last evaluated: 2021-11-04. Review status: criteria provided, single submitter. Criteria: ACMG Guidelines, 2015. Collection method: clinical testing. Allele origin: unknown.